The following is an entry in ClinVar:

ClinVar aggregate classification (germline): Uncertain significance (1 of 4 stars; one submission).

Conditions:
Glutamate formiminotransferase deficiency. Also called: Formiminoglutamic aciduria; Arakawa syndrome 1. Identifiers: Orphanet 51208, MedGen C0268609, MONDO:0009240, OMIM 229100.

gnomAD v4.1: 1 of 1,611,408 alleles (0.000062%); highest among the groups gnomAD compares: Non-Finnish European, 0.000085%; no homozygotes.

Submission:

Labcorp Genetics (formerly Invitae), Labcorp
Classification: Uncertain significance for Glutamate formiminotransferase deficiency. Last evaluated: 2025-05-05. Review status: criteria provided, single submitter. Criteria: Invitae Variant Classification Sherloc (09022015). Collection method: clinical testing. Allele origin: germline.
Comment: This sequence change falls in intron 5 of the FTCD gene. It does not directly change the encoded amino acid sequence of the FTCD protein. It affects a nucleotide within the consensus splice site. This variant is present in population databases (rs778097816, gnomAD 0.0009%). This variant has not been reported in the literature in individuals affected with FTCD-related conditions. ClinVar contains an entry for this variant (Variation ID: 1919848). Variants that disrupt the consensus splice site are a relatively common cause of aberrant splicing (PMID: 17576681, 9536098). Algorithms developed to predict the effect of sequence changes on RNA splicing suggest that this variant is not likely to affect RNA splicing. In summary, the available evidence is currently insufficient to determine the role of this variant in disease. Therefore, it has been classified as a Variant of Uncertain Significance.

Literature cited by the submitters: PubMed 17576681; PubMed 9536098.

NM_206965.2(FTCD):c.636+5C>T

Gene: FTCD (formimidoyltransferase cyclodeaminase; minus strand). Cytogenetic location: 21q22.3.
Variant type: single nucleotide variant.
Coding change: c.636+5C>T on transcript NM_206965.2 (MANE Select); 5 bases into the intron after coding-DNA position 636, C replaced by T.
Molecular consequence: intron variant.
Genome position (GRCh38, 1-based): chr21:46,151,553, G>A on the plus strand (C>T on the coding strand, the complement: FTCD is on the minus strand). VCF-style: chr21-46151553-G-A. GRCh37 (hg19) VCF-style: chr21-47571467-G-A.
Other names: c.636+5C>T (NM_001320412.2, NM_006657.3).
Identifiers: ClinVar variation 1919848 (VCV001919848.5), dbSNP rs778097816, ClinGen allele CA10073804.